The following is an entry in ClinVar:

ClinVar aggregate classification (germline): Uncertain significance. Review status: criteria provided, multiple submitters, no conflicts (2 of 4 stars). 2 submissions from 2 submitters: Uncertain significance (2). Last evaluated 2024-01-31.

Conditions:
Hereditary cancer-predisposing syndrome. Also called: Hereditary neoplastic syndrome; Neoplastic Syndromes, Hereditary; Tumor predisposition; Hereditary Cancer Syndrome. Identifiers: Orphanet 140162, MedGen C0027672, MeSH D009386, MONDO:0015356.
BAP1-related tumor predisposition syndrome (TPDS1). Also called: COMMON Syndrome; Tumor susceptibility linked to germline BAP1 mutations; BAP1 tumor predisposition syndrome; TUMOR PREDISPOSITION SYNDROME 1. Identifiers: Orphanet 289539, MedGen C3280492, MONDO:0013692, OMIM 614327.

Submissions (2):

Ambry Genetics
Classification: Uncertain significance for Hereditary cancer-predisposing syndrome. Last evaluated: 2024-01-31. Review status: criteria provided, single submitter. Criteria: Ambry Variant Classification Scheme 2023. Collection method: clinical testing. Allele origin: germline.
Comment: The p.D376N variant (also known as c.1126G>A), located in coding exon 12 of the BAP1 gene, results from a G to A substitution at nucleotide position 1126. The aspartic acid at codon 376 is replaced by asparagine, an amino acid with highly similar properties. This amino acid position is conserved. In addition, this alteration is predicted to be tolerated by in silico analysis. Based on the available evidence, the clinical significance of this alteration remains unclear.

Labcorp Genetics (formerly Invitae), Labcorp
Classification: Uncertain significance for BAP1-related tumor predisposition syndrome. Last evaluated: 2022-02-07. Review status: criteria provided, single submitter. Criteria: Invitae Variant Classification Sherloc (09022015). Collection method: clinical testing. Allele origin: germline.
Comment: In summary, the available evidence is currently insufficient to determine the role of this variant in disease. Therefore, it has been classified as a Variant of Uncertain Significance. Algorithms developed to predict the effect of missense changes on protein structure and function (SIFT, PolyPhen-2, Align-GVGD) all suggest that this variant is likely to be tolerated. This variant has not been reported in the literature in individuals affected with BAP1-related conditions. This variant is not present in population databases (gnomAD no frequency). This sequence change replaces aspartic acid, which is acidic and polar, with asparagine, which is neutral and polar, at codon 376 of the BAP1 protein (p.Asp376Asn).

NM_004656.4(BAP1):c.1126G>A (p.Asp376Asn)

Gene: BAP1 (BRCA1 associated deubiquitinase 1; minus strand). Cytogenetic location: 3p21.1.
Variant type: single nucleotide variant.
Coding change: c.1126G>A on transcript NM_004656.4 (MANE Select); coding-DNA position 1126, G replaced by A.
Protein change: p.Asp376Asn; replaces aspartic acid 376 with asparagine.
Molecular consequence: missense variant.
Genome position (GRCh38, 1-based): chr3:52,404,577, C>T on the plus strand (G>A on the coding strand, the complement: BAP1 is on the minus strand). VCF-style: chr3-52404577-C-T. GRCh37 (hg19) VCF-style: chr3-52438593-C-T.
Other names: c.1072G>A, p.Asp358Asn (NM_001410772.1); short protein forms D358N, D376N.
Identifiers: ClinVar variation 2094366 (VCV002094366.5), dbSNP rs780400454, ClinGen allele CA353103453.